The following is an entry in ClinVar:

ClinVar aggregate classification (germline): Benign (1 of 4 stars; one submission).

Conditions:
Methylmalonic aciduria and homocystinuria type cblF. Also called: COBALAMIN F DISEASE; COBALAMIN, DEFECT IN LYSOSOMAL RELEASE OF; METHYLMALONIC ACIDEMIA AND HOMOCYSTINURIA, cblF TYPE; METHYLMALONIC ACIDURIA DUE TO VITAMIN B12-RELEASE DEFECT; VITAMIN B12 LYSOSOMAL RELEASE DEFECT; VITAMIN B12 STORAGE DISEASE. Identifiers: Orphanet 79284, MedGen C1848578, MONDO:0010183, OMIM 277380.

Allele frequency attached by ClinVar (database versions not stated): TOPMed 0.00419; gnomAD 0.00583 and 0.00713; gnomAD exomes 0.01146; 1000 Genomes Project 30x 0.01936; 1000 Genomes Project 0.01997.
gnomAD v4.1: 1,729 of 209,490 alleles (0.83%); highest among the groups gnomAD compares: East Asian, 7.6%; 40 homozygotes.

Submission:

Illumina Laboratory Services, Illumina
Classification: Benign for Methylmalonic aciduria and homocystinuria type cblF. Last evaluated: 2018-01-13. Review status: criteria provided, single submitter. Criteria: ICSL Variant Classification Criteria 13 December 2019. Collection method: clinical testing. Allele origin: germline.
Comment: This variant was observed in the ICSL laboratory as part of a predisposition screen in an ostensibly healthy population. It had not been previously curated by ICSL or reported in the Human Gene Mutation Database (HGMD: prior to June 1st, 2018), and was therefore a candidate for classification through an automated scoring system. Utilizing variant allele frequency, disease prevalence and penetrance estimates, and inheritance mode, an automated score was calculated to assess if this variant is too frequent to cause the disease. Based on the score and internal cut-off values, a variant classified as benign is not then subjected to further curation. The score for this variant resulted in a classification of benign for this disease.

NM_018368.4(LMBRD1):c.*395T>C

Gene: LMBRD1 (LMBR1 domain containing 1; minus strand). Cytogenetic location: 6q13.
Variant type: single nucleotide variant.
Coding change: c.*395T>C on transcript NM_018368.4 (MANE Select); 395 bases downstream of the stop codon, T replaced by C.
Molecular consequence: 3 prime UTR variant.
Genome position (GRCh38, 1-based): chr6:69,675,763, A>G on the plus strand (T>C on the coding strand, the complement: LMBRD1 is on the minus strand). VCF-style: chr6-69675763-A-G. GRCh37 (hg19) VCF-style: chr6-70385655-A-G.
Other names: c.*395T>C (NM_001363722.2, NM_001367271.1, NM_001367272.1).
Identifiers: ClinVar variation 357764 (VCV000357764.5), dbSNP rs80330045, ClinGen allele CA10624530.
Genomic context (GRCh38, chr6:69,675,763, plus strand): 5'-ATTTGCATATGGGAGTAACATTCATCAGCTATATTGTAAATATTATTTGGAGGCAATCAG[A>G]GAGAGACACTTTAAAATTCCACATCACTCTGGAGAACCTAAGGCACAGATACAGATGATT-3'